The following is an entry in ClinVar:

ClinVar aggregate classification (germline): Uncertain significance (1 of 4 stars; one submission).

Conditions:
Tumor predisposition syndrome 3 (TPDS3). Also called: Melanoma, cutaneous malignant, susceptibility to, 10; Glioma susceptibility 9; LONG TELOMERE SYNDROME, POT1-RELATED; POT1 Tumor Predisposition. Identifiers: Orphanet 618, MedGen C4014476, MONDO:0014368, OMIM 615848.

Submission:

Labcorp Genetics (formerly Invitae), Labcorp
Classification: Uncertain significance for Tumor predisposition syndrome 3. Last evaluated: 2022-03-27. Review status: criteria provided, single submitter. Criteria: Invitae Variant Classification Sherloc (09022015). Collection method: clinical testing. Allele origin: germline.
Comment: In summary, the available evidence is currently insufficient to determine the role of this variant in disease. Therefore, it has been classified as a Variant of Uncertain Significance. Algorithms developed to predict the effect of missense changes on protein structure and function are either unavailable or do not agree on the potential impact of this missense change (SIFT: "Deleterious"; PolyPhen-2: "Probably Damaging"; Align-GVGD: "Class C0"). This variant has not been reported in the literature in individuals affected with POT1-related conditions. This variant is not present in population databases (gnomAD no frequency). This sequence change replaces aspartic acid, which is acidic and polar, with histidine, which is basic and polar, at codon 77 of the POT1 protein (p.Asp77His).

NM_015450.3(POT1):c.229G>C (p.Asp77His)

Gene: POT1 (protection of telomeres 1; minus strand). Cytogenetic location: 7q31.33.
Variant type: single nucleotide variant.
Coding change: c.229G>C on transcript NM_015450.3 (MANE Select); coding-DNA position 229, G replaced by C.
Protein change: p.Asp77His; replaces aspartic acid 77 with histidine.
Molecular consequence: missense variant. On other transcripts: non-coding transcript variant (3), intron variant (1).
Genome position (GRCh38, 1-based): chr7:124,870,937, C>G on the plus strand (G>C on the coding strand, the complement: POT1 is on the minus strand). VCF-style: chr7-124870937-C-G. GRCh37 (hg19) VCF-style: chr7-124510991-C-G.
Other names: c.-138-7297G>C (NM_001042594.2); short protein forms D77H.
Identifiers: ClinVar variation 2118278 (VCV002118278.4), dbSNP rs1795852296, ClinGen allele CA369061362.